The following is an entry in ClinVar:

ClinVar aggregate classification (germline): Likely benign. Review status: criteria provided, single submitter (1 of 4 stars). 2 submissions from 2 submitters: Likely benign (1). 1 of the submissions does not count toward it. Last evaluated 2021-09-01.

Conditions:
ATXN10-related disorder. Also called: ATXN10-related condition.
Inborn genetic diseases. Identifiers: MedGen C0950123, MeSH D030342.

Allele frequency attached by ClinVar (database versions not stated): TOPMed 0.00027; gnomAD 0.00033; ExAC 0.00040; ESP Exome Variant Server 0.00054.
gnomAD v4.1: 798 of 1,613,878 alleles (0.049%); highest among the groups gnomAD compares: Non-Finnish European, 0.064%; 1 homozygote.

Submissions (2):

Ambry Genetics
Classification: Likely benign for Inborn genetic diseases. Last evaluated: 2021-09-01. Review status: criteria provided, single submitter. Criteria: Ambry Variant Classification Scheme 2023. Collection method: clinical testing. Allele origin: germline.

PreventionGenetics, part of Exact Sciences
Classification: Likely benign for ATXN10-related condition. Last evaluated: 2024-07-26. Review status: no assertion criteria provided. Collection method: clinical testing. Allele origin: germline. Not counted in ClinVar's aggregate classification.
Comment: This variant is classified as likely benign based on ACMG/AMP sequence variant interpretation guidelines (Richards et al. 2015 PMID: 25741868, with internal and published modifications).

NM_013236.4(ATXN10):c.925G>A (p.Val309Ile)

Gene: ATXN10 (ataxin 10; plus strand). Cytogenetic location: 22q13.31.
Variant type: single nucleotide variant.
Coding change: c.925G>A on transcript NM_013236.4 (MANE Select); coding-DNA position 925, G replaced by A.
Protein change: p.Val309Ile; replaces valine 309 with isoleucine.
Molecular consequence: missense variant.
Genome position (GRCh38, 1-based): chr22:45,738,761, G>A. VCF-style: chr22-45738761-G-A. GRCh37 (hg19) VCF-style: chr22-46134641-G-A.
Other names: c.733G>A, p.Val245Ile (NM_001167621.2); short protein forms V245I, V309I.
Identifiers: ClinVar variation 3132195 (VCV003132195.2), dbSNP rs143763891, ClinGen allele CA10287749.